The following is an entry in ClinVar:

ClinVar aggregate classification (germline): Likely benign. Review status: criteria provided, multiple submitters, no conflicts (2 of 4 stars). 4 submissions from 4 submitters: Likely benign (4). Last evaluated 2026-05-13.

Conditions:
CLPP-related disorder. Also called: CLPP-related condition.

Submissions (4):

PreventionGenetics, part of Exact Sciences
Classification: Likely benign for CLPP-related condition. Last evaluated: 2026-05-13. Review status: criteria provided, single submitter. Criteria: ACMG Guidelines, 2015. Collection method: clinical testing. Allele origin: germline.
Comment: This variant is classified as likely benign based on ACMG/AMP sequence variant interpretation guidelines (Richards et al. 2015 PMID: 25741868, with internal and published modifications).

Labcorp Genetics (formerly Invitae), Labcorp
Classification: Likely benign. Last evaluated: 2024-09-03. Review status: criteria provided, single submitter. Criteria: Invitae Variant Classification Sherloc (09022015). Collection method: clinical testing. Allele origin: germline.

Blueprint Genetics
Classification: Likely benign. Last evaluated: 2022-09-07. Review status: criteria provided, single submitter. Criteria: ACMG Guidelines, 2015. Collection method: clinical testing. Allele origin: germline.

GeneDx
Classification: Likely benign. Last evaluated: 2020-08-11. Review status: criteria provided, single submitter. Criteria: GeneDx Variant Classification Process June 2021. Collection method: clinical testing. Allele origin: germline. Affected: yes.

NM_006012.4(CLPP):c.384G>T (p.Ala128=)

Gene: CLPP (caseinolytic mitochondrial matrix peptidase proteolytic subunit; plus strand). Cytogenetic location: 19p13.3.
Variant type: single nucleotide variant.
Coding change: c.384G>T on transcript NM_006012.4 (MANE Select); coding-DNA position 384, G replaced by T.
Protein change: p.Ala128=; no amino-acid change (alanine 128 retained).
Molecular consequence: synonymous variant.
Genome position (GRCh38, 1-based): chr19:6,364,468, G>T. VCF-style: chr19-6364468-G-T. GRCh37 (hg19) VCF-style: chr19-6364479-G-T.
Identifiers: ClinVar variation 1195668 (VCV001195668.9), dbSNP rs376053962, ClinGen allele CA9122912.